The following is an entry in ClinVar:

ClinVar aggregate classification (germline): Uncertain significance (1 of 4 stars; one submission).

Conditions:
Nemaline myopathy 10 (NEM10). Identifiers: MedGen C4015360, MONDO:0014513, OMIM 616165.

Allele frequency attached by ClinVar (database versions not stated): gnomAD exomes below 0.00001; ExAC 0.00002.
gnomAD v4.1: 3 of 1,613,966 alleles (0.00019%); highest among the groups gnomAD compares: South Asian, 0.0022%; no homozygotes.

Submission:

Labcorp Genetics (formerly Invitae), Labcorp
Classification: Uncertain significance for Nemaline myopathy 10. Last evaluated: 2022-10-01. Review status: criteria provided, single submitter. Criteria: Invitae Variant Classification Sherloc (09022015). Collection method: clinical testing. Allele origin: germline.
Comment: This sequence change replaces leucine, which is neutral and non-polar, with arginine, which is basic and polar, at codon 363 of the LMOD3 protein (p.Leu363Arg). This variant is present in population databases (rs751275687, gnomAD 0.003%). This missense change has been observed in individual(s) with clinical features of LMOD3-related conditions (Invitae). Algorithms developed to predict the effect of missense changes on protein structure and function (SIFT, PolyPhen-2, Align-GVGD) all suggest that this variant is likely to be disruptive. In summary, the available evidence is currently insufficient to determine the role of this variant in disease. Therefore, it has been classified as a Variant of Uncertain Significance.

NM_198271.5(LMOD3):c.1088T>G (p.Leu363Arg)

Gene: LMOD3 (leiomodin 3; minus strand). Cytogenetic location: 3p14.1.
Variant type: single nucleotide variant.
Coding change: c.1088T>G on transcript NM_198271.5 (MANE Select); coding-DNA position 1088, T replaced by G.
Protein change: p.Leu363Arg; replaces leucine 363 with arginine.
Molecular consequence: missense variant.
Genome position (GRCh38, 1-based): chr3:69,119,267, A>C on the plus strand (T>G on the coding strand, the complement: LMOD3 is on the minus strand). VCF-style: chr3-69119267-A-C. GRCh37 (hg19) VCF-style: chr3-69168418-A-C.
Other names: c.1088T>G, p.Leu363Arg (NM_001304418.3); short protein forms L363R.
Identifiers: ClinVar variation 2015616 (VCV002015616.1), dbSNP rs751275687, ClinGen allele CA2488865.